The following is an entry in ClinVar:

ClinVar aggregate classification (germline): Likely benign (1 of 4 stars; one submission).

Conditions:
MELAS syndrome (MELAS). Also called: Juvenile myopathy, encephalopathy, lactic acidosis, stroke. Identifiers: Orphanet 550, MedGen C0162671, MONDO:0010789, OMIM 540000.

Submission:

Wong Mito Lab, Molecular and Human Genetics, Baylor College of Medicine
Classification: Likely benign for MELAS syndrome. Last evaluated: 2019-07-12. Review status: criteria provided, single submitter. Criteria: Modified ACMG Guidelines (Unpublished). Collection method: clinical testing. Allele origin: germline.
Comment: The NC_012920.1:m.15895T>C variant in MT-TT gene is interpreted to be a Likely Benign variant based on the modified ACMG guidelines (unpublished). This variant meets the following evidence codes reported in the guidelines: BS4, BP4, BP6

Literature cited by the submitters: PubMed 31965079.

NC_012920.1(MT-TT):m.15895T>C

Gene: MT-TT (mitochondrially encoded tRNA threonine; plus strand).
Variant type: single nucleotide variant.
Genome position: chrM-15895-T-C.
Identifiers: ClinVar variation 690219 (VCV000690219.1), dbSNP rs1603225571, ClinGen allele CA913175141.